The following is an entry in ClinVar:

NM_001205254.2(OCLN):c.208A>G (p.Met70Val)

Gene: OCLN (occludin; plus strand). Cytogenetic location: 5q13.2.
Variant type: single nucleotide variant.
Coding change: c.208A>G on transcript NM_001205254.2 (MANE Select); coding-DNA position 208, A replaced by G.
Protein change: p.Met70Val; replaces methionine 70 with valine.
Molecular consequence: missense variant. On other transcripts: intron variant (1).
Genome position (GRCh38, 1-based): chr5:69,509,298, A>G. VCF-style: chr5-69509298-A-G. GRCh37 (hg19) VCF-style: chr5-68805125-A-G.
Other names: p.Met70Val; c.208A>G, p.Met70Val (NM_001410743.1, NM_001438048.1, NM_001438604.1 and 1 more transcripts); c.-24-4650A>G (NM_001205255.2); short protein forms M70V.
Identifiers: ClinVar variation 1352883 (VCV001352883.9), dbSNP rs778368708, ClinGen allele CA3294401.
Genomic context (GRCh38, chr5:69,509,298, plus strand): 5'-GATGAAATTCTTCACTTCTACAAATGGACCTCTCCTCCAGGAGTGATTCGGATCCTGTCT[A>G]TGCTCATTATTGTGATGTGCATTGCCATCTTTGCCTGTGTGGCCTCCACGCTTGCCTGGG-3'
Protein context (NP_001192183.1, residues 60-80): SPPGVIRILS[Met70Val]LIIVMCIAIF

ClinVar aggregate classification (germline): Uncertain significance. Review status: criteria provided, multiple submitters, no conflicts (2 of 4 stars). 2 submissions from 2 submitters: Uncertain significance (2). Last evaluated 2025-12-10.

Allele frequency attached by ClinVar (database versions not stated): gnomAD exomes 0.00001 and 0.00003; gnomAD 0.00003 and 0.00004; TOPMed 0.00003; ExAC 0.00006.
gnomAD v4.1: 27 of 1,614,068 alleles (0.0017%); highest among the groups gnomAD compares: African/African-American, 0.0027%; no homozygotes.

Submissions (2):

Mayo Clinic Laboratories, Mayo Clinic
Classification: Uncertain significance. Last evaluated: 2025-12-10. Review status: criteria provided, single submitter. Criteria: ACMG Guidelines, 2015. Collection method: clinical testing. Allele origin: germline. Observed: 1 variant allele.
Comment: BP4_moderate

Labcorp Genetics (formerly Invitae), Labcorp
Classification: Uncertain significance. Last evaluated: 2022-08-09. Review status: criteria provided, single submitter. Criteria: Invitae Variant Classification Sherloc (09022015). Collection method: clinical testing. Allele origin: germline.
Comment: This variant is present in population databases (rs778368708, gnomAD 0.008%). This sequence change replaces methionine, which is neutral and non-polar, with valine, which is neutral and non-polar, at codon 70 of the OCLN protein (p.Met70Val). ClinVar contains an entry for this variant (Variation ID: 1352883). This variant has not been reported in the literature in individuals affected with OCLN-related conditions. In summary, the available evidence is currently insufficient to determine the role of this variant in disease. Therefore, it has been classified as a Variant of Uncertain Significance. Algorithms developed to predict the effect of missense changes on protein structure and function output the following: SIFT: "Tolerated"; PolyPhen-2: "Benign"; Align-GVGD: "Class C0". The valine amino acid residue is found in multiple mammalian species, which suggests that this missense change does not adversely affect protein function.